The following is an entry in ClinVar:

NM_006231.4(POLE):c.786C>T (p.Asp262=)

Gene: POLE (DNA polymerase epsilon, catalytic subunit; minus strand). Cytogenetic location: 12q24.33.
Variant type: single nucleotide variant.
Coding change: c.786C>T on transcript NM_006231.4 (MANE Select); coding-DNA position 786, C replaced by T.
Protein change: p.Asp262=; no amino-acid change (aspartic acid 262 retained).
Molecular consequence: synonymous variant.
Genome position (GRCh38, 1-based): chr12:132,677,378, G>A on the plus strand (C>T on the coding strand, the complement: POLE is on the minus strand). VCF-style: chr12-132677378-G-A. GRCh37 (hg19) VCF-style: chr12-133253964-G-A.
Identifiers: ClinVar variation 240628 (VCV000240628.24), dbSNP rs201223598, ClinGen allele CA6894187.
Genomic context (GRCh38, chr12:132,677,378, plus strand): 5'-GAAAACTGGAAATTTTAGGATGAAGGTAACACAAGCAAAACTTACAGGTCGTTCAACAAG[G>A]TCATCTCGGCGGGTGATTTCTACCGGAAAAGCATTTCCTCGGTATCTGACATTGTACCAA-3'
Protein context (NP_006222.2, residues 252-272): AFPVEITRRD[Asp262=]LVERPDPVVL

ClinVar aggregate classification (germline): Likely benign. Review status: criteria provided, multiple submitters, no conflicts (2 of 4 stars). 7 submissions from 7 submitters: Likely benign (6). 1 of the submissions does not count toward it. Last evaluated 2025-11-03.

Conditions:
Hereditary cancer-predisposing syndrome. Also called: Neoplastic Syndromes, Hereditary; Hereditary Cancer Syndrome; Tumor predisposition; Hereditary neoplastic syndrome. Identifiers: Orphanet 140162, MedGen C0027672, MeSH D009386, MONDO:0015356.

Allele frequency attached by ClinVar (database versions not stated): gnomAD 0.00001; gnomAD exomes 0.00001 and 0.00003; TOPMed 0.00002; ExAC 0.00005; 1000 Genomes Project 0.00020; 1000 Genomes Project 30x 0.00031.
gnomAD v4.1: 12 of 1,613,866 alleles (0.00074%); highest among the groups gnomAD compares: East Asian, 0.025%; no homozygotes.

Submissions (7):

Labcorp Genetics (formerly Invitae), Labcorp
Classification: Likely benign. Last evaluated: 2025-11-03. Review status: criteria provided, single submitter. Criteria: Invitae Variant Classification Sherloc (09022015). Collection method: clinical testing. Allele origin: germline.

Center for Genomic Medicine, Rigshospitalet, Copenhagen University Hospital
Classification: Likely benign. Last evaluated: 2025-03-04. Review status: criteria provided, single submitter. Criteria: ACMG Guidelines, 2015. Collection method: clinical testing. Allele origin: germline.

Blueprint Genetics
Classification: Likely benign. Last evaluated: 2020-02-03. Review status: criteria provided, single submitter. Criteria: ACMG Guidelines, 2015. Collection method: clinical testing. Allele origin: germline.

Ambry Genetics
Classification: Likely benign for Hereditary cancer-predisposing syndrome. Last evaluated: 2018-09-21. Review status: criteria provided, single submitter. Criteria: Ambry Variant Classification Scheme 2023. Collection method: clinical testing. Allele origin: germline.

GeneDx
Classification: Likely benign. Last evaluated: 2018-06-20. Review status: criteria provided, single submitter. Criteria: GeneDx Variant Classification (06012015). Collection method: clinical testing. Allele origin: germline. Affected: yes.
Comment: This variant is considered likely benign or benign based on one or more of the following criteria: it is a conservative change, it occurs at a poorly conserved position in the protein, it is predicted to be benign by multiple in silico algorithms, and/or has population frequency not consistent with disease.

Breakthrough Genomics
Classification: Likely benign. Review status: criteria provided, single submitter. Criteria: ACMG Guidelines, 2015. Collection method: not provided. Allele origin: germline. Inheritance: Autosomal recessive inheritance. Affected: yes.

Department of Pathology and Laboratory Medicine, Sinai Health System
Classification: Likely benign. Review status: no assertion criteria provided. Collection method: clinical testing. Allele origin: unknown. Affected: yes. Study: The Canadian Open Genetics Repository (COGR). Not counted in ClinVar's aggregate classification.
Comment: The POLE p.Asp262= variant was not identified in the literature nor was it identified in the Cosmic database. The variant was identified in dbSNP (ID: rs201223598) as "With Likely benign allele ", and in ClinVar database (classified as likely benign by Invitae). The variant was identified in control databases in 9 of 246264 chromosomes at a frequency of 0.00004 (Genome Aggregation Database Feb 27, 2017). The variant was observed in the following populations: East Asian in 9 of 17248 chromosomes (freq: 0.0005), while the variant was not observed in the African, Other, Latino, European, Ashkenazi Jewish, Finnish, and South Asian populations. The p.Asp262= variant is not expected to have clinical significance because it does not result in a change of amino acid and is not located in a known consensus splice site. In addition, in silico or computational prediction software programs (SpliceSiteFinder, MaxEntScan, NNSPLICE, GeneSplicer, HumanSpliceFinder) do not predict a difference in splicing. In summary, based on the above information the clinical significance of this variant cannot be determined with certainty at this time although we would lean towards a more benign role for this variant. This variant is classified as likely benign.